The following is an entry in ClinVar:

NM_003482.4(KMT2D):c.5075A>G (p.Tyr1692Cys)

Gene: KMT2D (lysine methyltransferase 2D; minus strand). Cytogenetic location: 12q13.12.
Variant type: single nucleotide variant.
Coding change: c.5075A>G on transcript NM_003482.4 (MANE Select); coding-DNA position 5075, A replaced by G.
Protein change: p.Tyr1692Cys; replaces tyrosine 1692 with cysteine.
Molecular consequence: missense variant.
Genome position (GRCh38, 1-based): chr12:49,044,411, T>C on the plus strand (A>G on the coding strand, the complement: KMT2D is on the minus strand). VCF-style: chr12-49044411-T-C. GRCh37 (hg19) VCF-style: chr12-49438194-T-C.
Other names: short protein forms Y1692C.
Identifiers: ClinVar variation 2630652 (VCV002630652.6), dbSNP rs2120583146, ClinGen allele CA384637496.

ClinVar aggregate classification (germline): Uncertain significance. Review status: criteria provided, multiple submitters, no conflicts (2 of 4 stars). 3 submissions from 3 submitters: Uncertain significance (2). 1 of the submissions does not count toward it. Last evaluated 2024-04-20.

Conditions:
KMT2D-related disorder. Also called: KMT2D-Related Disorders.
Kabuki syndrome. Also called: Kabuki make-up syndrome; NIIKAWA-KUROKI SYNDROME. Identifiers: Orphanet 2322, MedGen C0796004, MONDO:0016512.
Inborn genetic diseases. Identifiers: MedGen C0950123, MeSH D030342.

Submissions (3):

Ambry Genetics
Classification: Uncertain significance for Inborn genetic diseases. Last evaluated: 2024-04-20. Review status: criteria provided, single submitter. Criteria: Ambry Variant Classification Scheme 2023. Collection method: clinical testing. Allele origin: germline.

Labcorp Genetics (formerly Invitae), Labcorp
Classification: Uncertain significance for Kabuki syndrome. Last evaluated: 2024-01-24. Review status: criteria provided, single submitter. Criteria: Invitae Variant Classification Sherloc (09022015). Collection method: clinical testing. Allele origin: germline.
Comment: This sequence change replaces tyrosine, which is neutral and polar, with cysteine, which is neutral and slightly polar, at codon 1692 of the KMT2D protein (p.Tyr1692Cys). This variant is not present in population databases (gnomAD no frequency). This variant has not been reported in the literature in individuals affected with KMT2D-related conditions. ClinVar contains an entry for this variant (Variation ID: 2630652). Advanced modeling of protein sequence and biophysical properties (such as structural, functional, and spatial information, amino acid conservation, physicochemical variation, residue mobility, and thermodynamic stability) performed at Invitae indicates that this missense variant is expected to disrupt KMT2D protein function with a positive predictive value of 95%. In summary, the available evidence is currently insufficient to determine the role of this variant in disease. Therefore, it has been classified as a Variant of Uncertain Significance.

PreventionGenetics, part of Exact Sciences
Classification: Uncertain significance for KMT2D-related condition. Last evaluated: 2024-05-17. Review status: no assertion criteria provided. Collection method: clinical testing. Allele origin: germline. Not counted in ClinVar's aggregate classification.
Comment: The KMT2D c.5075A>G variant is predicted to result in the amino acid substitution p.Tyr1692Cys. To our knowledge, this variant has not been reported in the literature or in a large population database, indicating this variant is rare. At this time, the clinical significance of this variant is uncertain due to the absence of conclusive functional and genetic evidence.